The following is an entry in ClinVar:

NM_002474.3(MYH11):c.3746A>T (p.Glu1249Val)

Gene: MYH11 (myosin heavy chain 11; minus strand). Cytogenetic location: 16p13.11.
Variant type: single nucleotide variant.
Coding change: c.3746A>T on transcript NM_002474.3 (MANE Select); coding-DNA position 3746, A replaced by T.
Protein change: p.Glu1249Val; replaces glutamic acid 1249 with valine.
Molecular consequence: missense variant.
Genome position (GRCh38, 1-based): chr16:15,726,960, T>A on the plus strand (A>T on the coding strand, the complement: MYH11 is on the minus strand). VCF-style: chr16-15726960-T-A. GRCh37 (hg19) VCF-style: chr16-15820817-T-A.
Other names: p.Glu1256Val; c.3767A>T, p.Glu1256Val (NM_001040113.2, NM_001040114.2); c.3746A>T, p.Glu1249Val (NM_022844.3); c.3746A>T (NM_002474.2); short protein forms E1249V, E1256V.
Identifiers: ClinVar variation 1015442 (VCV001015442.9), dbSNP rs929368464, ClinGen allele CA278609696.

ClinVar aggregate classification (germline): Uncertain significance. Review status: criteria provided, multiple submitters, no conflicts (2 of 4 stars). 5 submissions from 5 submitters: Uncertain significance (5). Last evaluated 2026-07-10.

Conditions:
Aortic aneurysm, familial thoracic 4 (AAT4). Also called: AORTIC ANEURYSM/AORTIC DISSECTION AND PATENT DUCTUS ARTERIOSUS. Identifiers: MedGen C1851504, MONDO:0007568, OMIM 132900.
Familial thoracic aortic aneurysm and aortic dissection (TAAD). Also called: Thoracic aortic aneurysms and dissections. Identifiers: Orphanet 91387, MedGen C4707243, MONDO:0019625.

Allele frequency attached by ClinVar (database versions not stated): TOPMed 0.00001; gnomAD exomes 0.00001; gnomAD 0.00001.
gnomAD v4.1: 13 of 1,613,450 alleles (0.00081%); highest among the groups gnomAD compares: Non-Finnish European, 0.00093%; no homozygotes.

Submissions (5):

Ambry Genetics
Classification: Uncertain significance for Familial thoracic aortic aneurysm and aortic dissection. Last evaluated: 2026-07-10. Review status: criteria provided, single submitter. Criteria: Ambry Variant Classification Scheme 2023. Collection method: clinical testing. Allele origin: germline.
Comment: The p.E1249V variant (also known as c.3746A>T), located in coding exon 27 of the MYH11 gene, results from an A to T substitution at nucleotide position 3746. The glutamic acid at codon 1249 is replaced by valine, an amino acid with dissimilar properties. This amino acid position is conserved. In addition, the in silico prediction for this alteration is inconclusive. Based on the available evidence, the clinical significance of this variant remains unclear.

Color Diagnostics, LLC DBA Color Health
Classification: Uncertain significance for Familial thoracic aortic aneurysm and aortic dissection. Last evaluated: 2025-11-03. Review status: criteria provided, single submitter. Criteria: ACMG Guidelines, 2015. Collection method: clinical testing. Allele origin: germline.
Comment: This missense variant replaces glutamic acid with valine at codon 1256 of the MYH11 protein. Computational prediction suggests that this variant may have deleterious impact on protein structure and function. To our knowledge, functional studies have not been reported for this variant. This variant has not been reported in individuals affected with MYH11-related disorders in the literature. This variant has not been identified in the general population by the Genome Aggregation Database (gnomAD). The available evidence is insufficient to determine the role of this variant in disease conclusively. Therefore, this variant is classified as a Variant of Uncertain Significance.

Mayo Clinic Laboratories, Mayo Clinic
Classification: Uncertain significance. Last evaluated: 2024-08-23. Review status: criteria provided, single submitter. Criteria: ACMG Guidelines, 2015. Collection method: clinical testing. Allele origin: germline. Observed: 1 variant allele.
Comment: PP3, PM2

All of Us Research Program, National Institutes of Health
Classification: Uncertain significance for Familial thoracic aortic aneurysm and aortic dissection. Last evaluated: 2024-01-11. Review status: criteria provided, single submitter. Criteria: ACMG Guidelines, 2015. Collection method: clinical testing. Allele origin: germline. Inheritance: Autosomal dominant inheritance. Observed: 3 variant alleles, 3 heterozygotes.
Comment: This missense variant replaces glutamic acid with valine at codon 1256 of the MYH11 protein. Computational prediction suggests that this variant may have deleterious impact on protein structure and function (internally defined REVEL score threshold >= 0.7, PMID: 27666373). To our knowledge, functional studies have not been reported for this variant. This variant has not been reported in individuals affected with MYH11-related disorders in the literature. This variant has not been identified in the general population by the Genome Aggregation Database (gnomAD). The available evidence is insufficient to determine the role of this variant in disease conclusively. Therefore, this variant is classified as a Variant of Uncertain Significance.

This study involves interpretation of variants in research participants for the purpose of population health screening. Participant phenotype was not available at the time of variant classification. Additional details can be found in publication PMID: 35346344, PMCID: PMC8962531

Labcorp Genetics (formerly Invitae), Labcorp
Classification: Uncertain significance for Aortic aneurysm, familial thoracic 4. Last evaluated: 2021-09-01. Review status: criteria provided, single submitter. Criteria: Invitae Variant Classification Sherloc (09022015). Collection method: clinical testing. Allele origin: germline.
Comment: This sequence change replaces glutamic acid with valine at codon 1256 of the MYH11 protein (p.Glu1256Val). The glutamic acid residue is moderately conserved and there is a moderate physicochemical difference between glutamic acid and valine. This variant is not present in population databases (ExAC no frequency). This variant has not been reported in the literature in individuals affected with MYH11-related conditions. Algorithms developed to predict the effect of missense changes on protein structure and function are either unavailable or do not agree on the potential impact of this missense change (SIFT: "Deleterious"; PolyPhen-2: "Possibly Damaging"; Align-GVGD: "Class C0"). Algorithms developed to predict the effect of sequence changes on RNA splicing suggest that this variant may create or strengthen a splice site. In summary, the available evidence is currently insufficient to determine the role of this variant in disease. Therefore, it has been classified as a Variant of Uncertain Significance.